The following is an entry in ClinVar:

NM_001244008.2(KIF1A):c.1949+6G>A

Gene: KIF1A (kinesin family member 1A; minus strand). Cytogenetic location: 2q37.3.
Variant type: single nucleotide variant.
Coding change: c.1949+6G>A on transcript NM_001244008.2 (MANE Select); 6 bases into the intron after coding-DNA position 1949, G replaced by A.
Molecular consequence: intron variant.
Genome position (GRCh38, 1-based): chr2:240,763,160, C>T on the plus strand (G>A on the coding strand, the complement: KIF1A is on the minus strand). VCF-style: chr2-240763160-C-T. GRCh37 (hg19) VCF-style: chr2-241702577-C-T.
Other names: c.1949+6G>A (NM_001244008.1, NM_001320705.2, NM_001379638.1 and 1 more transcripts); c.1922+6G>A (NM_001379653.1, NM_001379650.1, NM_001379645.1 and 10 more transcripts); c.2024+6G>A (NM_001379635.1, NM_001330290.2, NM_001379646.1 and 2 more transcripts); c.1997+6G>A (NM_001379637.1, NM_001379648.1).
Identifiers: ClinVar variation 1052309 (VCV001052309.10), dbSNP rs769945403, ClinGen allele CA2208254.

ClinVar aggregate classification (germline): Uncertain significance. Review status: criteria provided, multiple submitters, no conflicts (2 of 4 stars). 3 submissions from 3 submitters: Uncertain significance (2). 1 of the submissions does not count toward it. Last evaluated 2025-03-03.

Conditions:
KIF1A-related disorder. Also called: KIF1A-related disorders; KIF1A-related condition.
Neuropathy, hereditary sensory, type 2C. Also called: KIF1A-Related HSAN2 (HSAN2C); Hereditary sensory and autonomic neuropathy type IIC. Identifiers: Orphanet 970, MedGen C3280168, MONDO:0013634, OMIM 614213.
Intellectual disability, autosomal dominant 9 (NESCAVS). Also called: NESCAV SYNDROME; KIF1A-Related Neurodevelopmental Disorder. Identifiers: Orphanet 662367, MedGen C5393830, MONDO:0013656, OMIM 614255.
Hereditary spastic paraplegia 30. Identifiers: Orphanet 101010, MedGen C5235139, MONDO:0012476.

Allele frequency attached by ClinVar (database versions not stated): ExAC 0.00001; gnomAD exomes 0.00001 and 0.00004; TOPMed 0.00002; gnomAD 0.00003 and 0.00004.
gnomAD v4.1: 63 of 1,608,840 alleles (0.0039%); highest among the groups gnomAD compares: African/African-American, 0.0053%; no homozygotes.

Submissions (3):

Labcorp Genetics (formerly Invitae), Labcorp
Classification: Uncertain significance for Hereditary spastic paraplegia 30; Neuropathy, hereditary sensory, type 2C; Intellectual disability, autosomal dominant 9. Last evaluated: 2025-03-03. Review status: criteria provided, single submitter. Criteria: Invitae Variant Classification Sherloc (09022015). Collection method: clinical testing. Allele origin: germline.
Comment: This sequence change falls in intron 19 of the KIF1A gene. It does not directly change the encoded amino acid sequence of the KIF1A protein. It affects a nucleotide within the consensus splice site. This variant is present in population databases (rs769945403, gnomAD 0.009%). This variant has not been reported in the literature in individuals affected with KIF1A-related conditions. ClinVar contains an entry for this variant (Variation ID: 1052309). Variants that disrupt the consensus splice site are a relatively common cause of aberrant splicing (PMID: 17576681, 9536098). Algorithms developed to predict the effect of sequence changes on RNA splicing suggest that this variant is not likely to affect RNA splicing. In summary, the available evidence is currently insufficient to determine the role of this variant in disease. Therefore, it has been classified as a Variant of Uncertain Significance.

Blueprint Genetics
Classification: Uncertain significance. Last evaluated: 2019-11-26. Review status: criteria provided, single submitter. Criteria: ACMG Guidelines, 2015. Collection method: clinical testing. Allele origin: germline.

PreventionGenetics, part of Exact Sciences
Classification: Likely benign for KIF1A-related condition. Last evaluated: 2023-08-24. Review status: no assertion criteria provided. Collection method: clinical testing. Allele origin: germline. Not counted in ClinVar's aggregate classification.
Comment: This variant is classified as likely benign based on ACMG/AMP sequence variant interpretation guidelines (Richards et al. 2015 PMID: 25741868, with internal and published modifications).

Literature cited by the submitters: PubMed 17576681 (cited by Labcorp Genetics (formerly Invitae), Labcorp); PubMed 9536098 (cited by Labcorp Genetics (formerly Invitae), Labcorp).